The following is an entry in ClinVar:

NM_001144869.3(LIPT2):c.401A>C (p.Asp134Ala)

Gene: LIPT2 (lipoyl(octanoyl) transferase 2; minus strand). Cytogenetic location: 11q13.4.
Variant type: single nucleotide variant.
Coding change: c.401A>C on transcript NM_001144869.3 (MANE Select); coding-DNA position 401, A replaced by C.
Protein change: p.Asp134Ala; replaces aspartic acid 134 with alanine.
Molecular consequence: missense variant. On other transcripts: intron variant (1).
Genome position (GRCh38, 1-based): chr11:74,493,303, T>G on the plus strand (A>C on the coding strand, the complement: LIPT2 is on the minus strand). VCF-style: chr11-74493303-T-G. GRCh37 (hg19) VCF-style: chr11-74204348-T-G.
Other names: c.401A>C, p.Asp134Ala (NM_001329941.2); c.237+164A>C (NM_001329942.2); c.401A>C (NM_001144869.1); short protein forms D134A.
Identifiers: ClinVar variation 1374550 (VCV001374550.6), dbSNP rs994449429, ClinGen allele CA224979279.

ClinVar aggregate classification (germline): Uncertain significance. Review status: criteria provided, multiple submitters, no conflicts (2 of 4 stars). 3 submissions from 3 submitters: Uncertain significance (3). Last evaluated 2024-12-09.

Allele frequency attached by ClinVar (database versions not stated): gnomAD 0.00004 and 0.00005; TOPMed 0.00012; gnomAD exomes 0.00013; 1000 Genomes Project 30x 0.00062.
gnomAD v4.1: 21 of 1,434,094 alleles (0.0015%); highest among the groups gnomAD compares: Admixed American, 0.052%; no homozygotes.

Submissions (3):

Labcorp Genetics (formerly Invitae), Labcorp
Classification: Uncertain significance. Last evaluated: 2024-12-09. Review status: criteria provided, single submitter. Criteria: Invitae Variant Classification Sherloc (09022015). Collection method: clinical testing. Allele origin: germline.
Comment: This sequence change replaces aspartic acid, which is acidic and polar, with alanine, which is neutral and non-polar, at codon 134 of the LIPT2 protein (p.Asp134Ala). This variant is present in population databases (no rsID available, gnomAD 0.08%). This variant has not been reported in the literature in individuals affected with LIPT2-related conditions. ClinVar contains an entry for this variant (Variation ID: 1374550). An algorithm developed to predict the effect of missense changes on protein structure and function outputs the following: PolyPhen-2: "Benign". The alanine amino acid residue is found in multiple mammalian species, which suggests that this missense change does not adversely affect protein function. In summary, the available evidence is currently insufficient to determine the role of this variant in disease. Therefore, it has been classified as a Variant of Uncertain Significance.

Ambry Genetics
Classification: Uncertain significance. Last evaluated: 2021-12-13. Review status: criteria provided, single submitter. Criteria: Ambry Variant Classification Scheme 2023. Collection method: clinical testing. Allele origin: germline.

Breakthrough Genomics
Classification: Uncertain significance. Review status: criteria provided, single submitter. Criteria: ACMG Guidelines, 2015. Collection method: not provided. Allele origin: germline. Inheritance: Autosomal recessive inheritance. Affected: yes.